The following is an entry in ClinVar:

NM_002303.6(LEPR):c.1205G>A (p.Arg402Gln)

Gene: LEPR (leptin receptor; plus strand). Cytogenetic location: 1p31.3.
Variant type: single nucleotide variant.
Coding change: c.1205G>A on transcript NM_002303.6 (MANE Select); coding-DNA position 1205, G replaced by A.
Protein change: p.Arg402Gln; replaces arginine 402 with glutamine.
Molecular consequence: missense variant.
Genome position (GRCh38, 1-based): chr1:65,601,602, G>A. VCF-style: chr1-65601602-G-A. GRCh37 (hg19) VCF-style: chr1-66067285-G-A.
Other names: c.1205G>A, p.Arg402Gln (NM_001003679.3, NM_001003680.3, NM_001198687.2 and 2 more transcripts); short protein forms R402Q.
Identifiers: ClinVar variation 3357196 (VCV003357196.1).
Genomic context (GRCh38, chr1:65,601,602, plus strand): 5'-ATGTTGTGAGTGATCATGTTAGCAAAGTTACTTTTTTCAATCTGAATGAAACCAAACCTC[G>A]AGGAAAGTTTACCTATGATGCAGTGTACTGCTGCAATGAACATGAATGCCATCATCGCTA-3'
Protein context (NP_002294.2, residues 392-412): TFFNLNETKP[Arg402Gln]GKFTYDAVYC

ClinVar aggregate classification (germline): Uncertain significance (0 of 4 stars; one submission).

Conditions:
LEPR-related disorder. Also called: LEPR-related condition; LEPR-related disorders.

gnomAD v4.1: 6 of 1,613,534 alleles (0.00037%); highest among the groups gnomAD compares: Admixed American, 0.0033%; no homozygotes.

Submission:

PreventionGenetics, part of Exact Sciences
Classification: Uncertain significance for LEPR-related condition. Last evaluated: 2024-08-18. Review status: no assertion criteria provided. Collection method: clinical testing. Allele origin: germline.
Comment: The LEPR c.1205G>A variant is predicted to result in the amino acid substitution p.Arg402Gln. This variant was observed in a cohort of individuals with obesity, and in vitro functional studies showed function similar to wild-type levels (Supplemental Data Set, Shah et al. 2023. PubMed ID: 36864747). This variant is reported in 0.0033% of alleles in individuals of South Asian descent in gnomAD. At this time, the clinical significance of this variant is uncertain due to the absence of conclusive functional and genetic evidence.